The following is an entry in ClinVar:

ClinVar aggregate classification (germline): Uncertain significance (1 of 4 stars; one submission).

Conditions:
NRP1-related disorder. Also called: NRP1-related condition.

gnomAD v4.1: 1 of 1,606,666 alleles (0.000062%); highest among the groups gnomAD compares: African/African-American, 0.0013%; no homozygotes.

Submission:

PreventionGenetics, part of Exact Sciences
Classification: Uncertain significance for NRP1-related condition. Last evaluated: 2025-02-22. Review status: criteria provided, single submitter. Criteria: ACMG Guidelines, 2015. Collection method: clinical testing. Allele origin: germline.
Comment: The NRP1 c.2042-1G>T variant is predicted to disrupt the AG splice acceptor site and interfere with normal splicing. To our knowledge, this variant has not been reported in the literature or in a large population database (gnomAD), indicating this variant is rare. Loss of function is not an established mechanism of NRP1-related disease. At this time, the clinical significance of this variant is uncertain due to the absence of conclusive functional and genetic evidence.

NM_003873.7(NRP1):c.2063-4G>T

Gene: NRP1 (neuropilin 1; minus strand). Cytogenetic location: 10p11.22.
Variant type: single nucleotide variant.
Coding change: c.2063-4G>T on transcript NM_003873.7 (MANE Select); 4 bases into the intron before coding-DNA position 2063, G replaced by T.
Molecular consequence: intron variant. On other transcripts: splice acceptor variant (1).
Genome position (GRCh38, 1-based): chr10:33,186,492, C>A on the plus strand (G>T on the coding strand, the complement: NRP1 is on the minus strand). VCF-style: chr10-33186492-C-A. GRCh37 (hg19) VCF-style: chr10-33475420-C-A.
Other names: c.2042-4G>T (NM_001244973.2); c.2042-1G>T (NM_001244972.2); c.2063-4G>T (NM_001330068.2).
Identifiers: ClinVar variation 4998321 (VCV004998321.1).
Genomic context (GRCh38, chr10:33,186,492, plus strand): 5'-GAGCCACTTTGCCCTTCTGATTTTCGTCAGCTTGGGAATAGATGAAGTTGCCATCTCCTG[C>A]TGTGACAAAGAACTGTGTTAGGGAGAGTGGCCAGGATTACCACACTTTTATCTCTCTTCT-3'